The following is an entry in ClinVar:

NM_006929.5(SKIC2):c.308A>G (p.Gln103Arg)

Gene: SKIC2 (SKI2 subunit of superkiller complex; plus strand). Cytogenetic location: 6p21.33.
Variant type: single nucleotide variant.
Coding change: c.308A>G on transcript NM_006929.5 (MANE Select); coding-DNA position 308, A replaced by G.
Protein change: p.Gln103Arg; replaces glutamine 103 with arginine.
Molecular consequence: missense variant.
Genome position (GRCh38, 1-based): chr6:31,960,291, A>G. VCF-style: chr6-31960291-A-G. GRCh37 (hg19) VCF-style: chr6-31928068-A-G.
Other names: short protein forms Q103R.
Identifiers: ClinVar variation 1416314 (VCV001416314.5), dbSNP rs2151803357, ClinGen allele CA363436171.
Genomic context (GRCh38, chr6:31,960,291, plus strand): 5'-GGAAGACGGATCCCTGGTCTCTTTTGGCTGTCCTGGGAGCCCCAGTCCCATCCGACCTAC[A>G]GGCCCAAAGACACCCAACCACAGGCCAGATACTGGGTTACAAAGAGGTAGGAGGTCAGGG-3'
Protein context (NP_008860.4, residues 93-113): VLGAPVPSDL[Gln103Arg]AQRHPTTGQI

ClinVar aggregate classification (germline): Uncertain significance (1 of 4 stars; one submission).

Submission:

Labcorp Genetics (formerly Invitae), Labcorp
Classification: Uncertain significance. Last evaluated: 2021-09-15. Review status: criteria provided, single submitter. Criteria: Invitae Variant Classification Sherloc (09022015). Collection method: clinical testing. Allele origin: germline.
Comment: This variant is not present in population databases (ExAC no frequency). This variant has not been reported in the literature in individuals affected with SKIV2L-related conditions. Algorithms developed to predict the effect of missense changes on protein structure and function (SIFT, PolyPhen-2, Align-GVGD) all suggest that this variant is likely to be tolerated. In summary, the available evidence is currently insufficient to determine the role of this variant in disease. Therefore, it has been classified as a Variant of Uncertain Significance. This sequence change replaces glutamine with arginine at codon 103 of the SKIV2L protein (p.Gln103Arg). The glutamine residue is moderately conserved and there is a small physicochemical difference between glutamine and arginine.